The following is an entry in ClinVar:

NM_007294.4(BRCA1):c.792T>G (p.Ser264Arg)

Gene: BRCA1 (BRCA1 DNA repair associated; minus strand). Cytogenetic location: 17q21.31.
Variant type: single nucleotide variant.
Coding change: c.792T>G on transcript NM_007294.4 (MANE Select); coding-DNA position 792, T replaced by G.
Protein change: p.Ser264Arg; replaces serine 264 with arginine.
Molecular consequence: missense variant. On other transcripts: intron variant (136), splice donor variant (1), 5 prime UTR variant (2).
Genome position (GRCh38, 1-based): chr17:43,094,739, A>C on the plus strand (T>G on the coding strand, the complement: BRCA1 is on the minus strand). VCF-style: chr17-43094739-A-C. GRCh37 (hg19) VCF-style: chr17-41246756-A-C.
Other names: c.792T>G, p.Ser264Arg (NM_001407652.1, NM_001407581.1, NM_001407582.1 and 30 more transcripts); c.714T>G, p.Ser238Arg (NM_001407653.1, NM_001407654.1, NM_001407655.1 and 4 more transcripts); c.711T>G, p.Ser237Arg (NM_001407659.1, NM_001407660.1, NM_001407661.1 and 1 more transcripts); c.666T>G, p.Ser222Arg (NM_001407671.1, NM_001407672.1, NM_001407673.1 and 11 more transcripts); c.669T>G, p.Ser223Arg (NM_001407674.1, NM_001407675.1, NM_001407676.1 and 19 more transcripts); c.651T>G, p.Ser217Arg (NM_001407692.1, NM_001407694.1, NM_001407695.1 and 29 more transcripts); c.648T>G, p.Ser216Arg (NM_001407740.1, NM_001407741.1, NM_001407742.1 and 20 more transcripts); c.670+1107T>G (NM_001408422.1, NM_001408418.1, NM_001408419.1 and 2 more transcripts); and 40 more; short protein forms S264R, S217R, S175R, S196R, S197R, S222R, S261R, S96R.
Identifiers: ClinVar variation 55706 (VCV000055706.11), dbSNP rs80357214, ClinGen allele CA003878.

ClinVar aggregate classification (germline): Conflicting classifications of pathogenicity. Review status: criteria provided, conflicting classifications (1 of 4 stars). 3 submissions from 3 submitters: Uncertain significance (1); Likely benign (1). 1 of the submissions does not count toward it. Last evaluated 2023-03-23.

Conditions:
Breast-ovarian cancer, familial, susceptibility to, 1 (BROVCA1). Also called: BRCA1 Hereditary Breast and Ovarian Cancer; OVARIAN CANCER, SUSCEPTIBILITY TO. Identifiers: Orphanet 145, MedGen C2676676, MONDO:0011450, OMIM 604370. Disease mechanism: loss of function.
Hereditary cancer-predisposing syndrome. Also called: Hereditary Cancer Syndrome; Hereditary neoplastic syndrome; Neoplastic Syndromes, Hereditary; Tumor predisposition. Identifiers: Orphanet 140162, MedGen C0027672, MeSH D009386, MONDO:0015356.
Hereditary breast ovarian cancer syndrome. Also called: BRCA1- and BRCA2-Associated Hereditary Breast and Ovarian Cancer; Hereditary breast and ovarian cancer syndrome; Hereditary breast and ovarian cancer syndrome (HBOC); Breast and ovarian cancer; Hereditary breast and/or ovarian cancer syndrome; Hereditary breast and ovarian cancer. Identifiers: Orphanet 145, MedGen C0677776, MeSH D061325, MONDO:0003582. Disease mechanism: loss of function.

Submissions (3):

University of Washington Department of Laboratory Medicine, University of Washington
Classification: Likely benign for Hereditary cancer-predisposing syndrome. Last evaluated: 2023-03-23. Review status: criteria provided, single submitter. Criteria: Dines et al. (Genet Med. 2020). Collection method: curation. Allele origin: germline.
Comment: Missense variant in a coldspot region where missense variants are very unlikely to be pathogenic (PMID:31911673).

BRCA1 coldspot (exon 11 using historical exon numbering). Reclassification based on statistical prior probability

Labcorp Genetics (formerly Invitae), Labcorp
Classification: Uncertain significance for Hereditary breast ovarian cancer syndrome. Last evaluated: 2021-11-30. Review status: criteria provided, single submitter. Criteria: Invitae Variant Classification Sherloc (09022015). Collection method: clinical testing. Allele origin: germline.
Comment: In summary, the available evidence is currently insufficient to determine the role of this variant in disease. Therefore, it has been classified as a Variant of Uncertain Significance. Studies have shown that this variant is associated with altered splicing, but the impact on the resulting protein product is unknown (PMID: 18273839). Advanced modeling of protein sequence and biophysical properties (such as structural, functional, and spatial information, amino acid conservation, physicochemical variation, residue mobility, and thermodynamic stability) performed at Invitae indicates that this missense variant is not expected to disrupt BRCA1 protein function. ClinVar contains an entry for this variant (Variation ID: 55706). This variant is also known as 911T>G. This missense change has been observed in individual(s) with breast or ovarian cancer (PMID: 18273839, 25352972). This variant is not present in population databases (gnomAD no frequency). This sequence change replaces serine, which is neutral and polar, with arginine, which is basic and polar, at codon 264 of the BRCA1 protein (p.Ser264Arg).

Breast Cancer Information Core (BIC) (BRCA1)
Classification: Uncertain significance for Breast-ovarian cancer, familial 1. Last evaluated: 2001-10-29. Review status: no assertion criteria provided. Collection method: clinical testing. Allele origin: germline. Affected: yes. Observed: 1 variant allele. Not counted in ClinVar's aggregate classification.

Literature cited by the submitters: PubMed 18273839 (cited by Labcorp Genetics (formerly Invitae), Labcorp); PubMed 25352972 (cited by Labcorp Genetics (formerly Invitae), Labcorp).